The following is an entry in ClinVar:

ClinVar aggregate classification (germline): Uncertain significance. Review status: criteria provided, multiple submitters, no conflicts (2 of 4 stars). 3 submissions from 3 submitters: Uncertain significance (3). Last evaluated 2021-11-07.

Conditions:
Tuberous sclerosis 1 (TSC1). Identifiers: Orphanet 805, MedGen C1854465, MONDO:0008612, OMIM 191100.

Submissions (3):

Genome-Nilou Lab
Classification: Uncertain significance for Tuberous sclerosis 1. Last evaluated: 2021-11-07. Review status: criteria provided, single submitter. Criteria: ACMG Guidelines, 2015. Collection method: clinical testing. Allele origin: germline. Affected: no.

GeneDx
Classification: Uncertain significance. Last evaluated: 2020-11-23. Review status: criteria provided, single submitter. Criteria: GeneDx Variant Classification Process June 2021. Collection method: clinical testing. Allele origin: germline. Affected: yes.
Comment: Not observed in large population cohorts (Lek et al., 2016); In-frame deletion of 1amino acid in a non-repeat region; In silico analysis supports a deleterious effect on protein structure/function; Has not been previously published as pathogenic or benign to our knowledge

Labcorp Genetics (formerly Invitae), Labcorp
Classification: Uncertain significance for Tuberous sclerosis 1. Last evaluated: 2019-02-01. Review status: criteria provided, single submitter. Criteria: Invitae Variant Classification Sherloc (09022015). Collection method: clinical testing. Allele origin: germline.
Comment: Experimental studies and prediction algorithms are not available for this variant, and the functional significance of the affected amino acid(s) is currently unknown. In summary, the available evidence is currently insufficient to determine the role of this variant in disease. Therefore, it has been classified as a Variant of Uncertain Significance. This variant has not been reported in the literature in individuals with TSC1-related conditions. This variant is not present in population databases (ExAC no frequency). This variant, c.344_346del, results in the deletion of 1 amino acid(s) of the TSC1 protein (p.Ser115del), but otherwise preserves the integrity of the reading frame.

NM_000368.5(TSC1):c.341CTT[1] (p.Ser115del)

Gene: TSC1 (TSC complex subunit 1; minus strand). Cytogenetic location: 9q34.13.
Variant type: Microsatellite.
Coding change: c.341CTT[1] on transcript NM_000368.5 (MANE Select); one copy of the 3-base unit CTT starting at c.341; the reference has two copies in a row; one copy, 3 bases deleted.
Protein change: p.Ser115del; deletes serine 115.
Molecular consequence: inframe deletion. On other transcripts: 5 prime UTR variant (1), intron variant (1).
Genome position (GRCh38, 1-based): chr9:132,925,604-132,925,606, AAG deleted on the plus strand (CTT on the coding strand, the reverse complement: TSC1 is on the minus strand); deleting any 3 consecutive bases within chr9:132,925,604-132,925,609 gives the same sequence; the position shown is the placement nearest the transcript's 3' end. VCF-style (leftmost placement, unchanged base first): chr9-132925603-AAAG-A. GRCh37 (hg19) VCF-style: chr9-135800990-AAAG-A.
Other names: c.341CTT[1], p.Ser115del (NM_001162426.2); c.-23CTT[1] (NM_001362177.2); c.210+1595_210+1597del (NM_001162427.2); short protein forms S115del.
Identifiers: ClinVar variation 861624 (VCV000861624.13), dbSNP rs1846809072, ClinGen allele CA916081563.